The following is an entry in ClinVar:

NM_002292.4(LAMB2):c.977A>G (p.Asp326Gly)

Gene: LAMB2 (laminin subunit beta 2; minus strand). Cytogenetic location: 3p21.31.
Variant type: single nucleotide variant.
Coding change: c.977A>G on transcript NM_002292.4 (MANE Select); coding-DNA position 977, A replaced by G.
Protein change: p.Asp326Gly; replaces aspartic acid 326 with glycine.
Molecular consequence: missense variant.
Genome position (GRCh38, 1-based): chr3:49,130,799, T>C on the plus strand (A>G on the coding strand, the complement: LAMB2 is on the minus strand). VCF-style: chr3-49130799-T-C. GRCh37 (hg19) VCF-style: chr3-49168232-T-C.
Other names: short protein forms D326G.
Identifiers: ClinVar variation 4535107 (VCV004535107.6).

ClinVar aggregate classification (germline): Uncertain significance (1 of 4 stars; one submission).

Submission:

CeGaT Center for Human Genetics Tuebingen
Classification: Uncertain significance. Last evaluated: 2025-11-01. Review status: criteria provided, single submitter. Criteria: CeGaT Center For Human Genetics Tuebingen Variant Classification Criteria Version 2. Collection method: clinical testing. Allele origin: germline. Affected: yes. Observed: 1 variant allele.
Comment: LAMB2: PM2